The following is an entry in ClinVar:

NM_001113378.2(FANCI):c.3646G>A (p.Val1216Ile)

Gene: FANCI (FA complementation group I; plus strand). Cytogenetic location: 15q26.1.
Variant type: single nucleotide variant.
Coding change: c.3646G>A on transcript NM_001113378.2 (MANE Select); coding-DNA position 3646, G replaced by A.
Protein change: p.Val1216Ile; replaces valine 1216 with isoleucine.
Molecular consequence: missense variant.
Genome position (GRCh38, 1-based): chr15:89,307,667, G>A. VCF-style: chr15-89307667-G-A. GRCh37 (hg19) VCF-style: chr15-89850898-G-A.
Other names: c.3367G>A, p.Val1123Ile (NM_001376910.1); c.3646G>A, p.Val1216Ile (NM_001376911.1); c.3466G>A, p.Val1156Ile (NM_018193.3); short protein forms V1123I, V1216I, V1156I.
Identifiers: ClinVar variation 1440589 (VCV001440589.7), dbSNP rs978000003, ClinGen allele CA274527298.

ClinVar aggregate classification (germline): Uncertain significance. Review status: criteria provided, multiple submitters, no conflicts (2 of 4 stars). 2 submissions from 2 submitters: Uncertain significance (2). Last evaluated 2023-12-26.

Conditions:
Fanconi anemia complementation group I (FANCI). Also called: FANCI-Related Fanconi Anemia. Identifiers: Orphanet 84, MedGen C1836861, MONDO:0012186, OMIM 609053.
Fanconi anemia (FA). Also called: Fanconi's anemia. Identifiers: Orphanet 84, MedGen C0015625, MeSH D005199, MONDO:0019391.

gnomAD v4.1: 16 of 1,613,922 alleles (0.00099%); highest among the groups gnomAD compares: African/African-American, 0.004%; no homozygotes.

Submissions (2):

Labcorp Genetics (formerly Invitae), Labcorp
Classification: Uncertain significance for Fanconi anemia. Last evaluated: 2023-12-26. Review status: criteria provided, single submitter. Criteria: Invitae Variant Classification Sherloc (09022015). Collection method: clinical testing. Allele origin: germline.
Comment: This sequence change replaces valine, which is neutral and non-polar, with isoleucine, which is neutral and non-polar, at codon 1216 of the FANCI protein (p.Val1216Ile). This variant is present in population databases (no rsID available, gnomAD 0.008%). This variant has not been reported in the literature in individuals affected with FANCI-related conditions. ClinVar contains an entry for this variant (Variation ID: 1440589). Algorithms developed to predict the effect of missense changes on protein structure and function output the following: SIFT: "Not Available"; PolyPhen-2: "Benign"; Align-GVGD: "Not Available". The isoleucine amino acid residue is found in multiple mammalian species, which suggests that this missense change does not adversely affect protein function. In summary, the available evidence is currently insufficient to determine the role of this variant in disease. Therefore, it has been classified as a Variant of Uncertain Significance.

Fulgent Genetics
Classification: Uncertain significance for Fanconi anemia complementation group I. Last evaluated: 2022-01-18. Review status: criteria provided, single submitter. Criteria: ACMG Guidelines, 2015. Collection method: clinical testing. Allele origin: unknown.